The following is an entry in ClinVar:

NM_005445.4(SMC3):c.1170A>C (p.Glu390Asp)

Gene: SMC3 (structural maintenance of chromosomes 3; plus strand). Cytogenetic location: 10q25.2.
Variant type: single nucleotide variant.
Coding change: c.1170A>C on transcript NM_005445.4 (MANE Select); coding-DNA position 1170, A replaced by C.
Protein change: p.Glu390Asp; replaces glutamic acid 390 with aspartic acid.
Molecular consequence: missense variant.
Genome position (GRCh38, 1-based): chr10:110,584,261, A>C. VCF-style: chr10-110584261-A-C. GRCh37 (hg19) VCF-style: chr10-112344019-A-C.
Other names: short protein forms E390D.
Identifiers: ClinVar variation 3645155 (VCV003645155.2).

ClinVar aggregate classification (germline): Uncertain significance (1 of 4 stars; one submission).

Conditions:
Cornelia de Lange syndrome 3 (CDLS3). Also called: SMC3-Related Cornelia de Lange Syndrome; CORNELIA DE LANGE SYNDROME 3 WITH OR WITHOUT MIDLINE BRAIN DEFECTS. Identifiers: Orphanet 199, MedGen C1853099, MONDO:0012555, OMIM 610759.

Submission:

Labcorp Genetics (formerly Invitae), Labcorp
Classification: Uncertain significance for Cornelia de Lange syndrome 3. Last evaluated: 2024-03-09. Review status: criteria provided, single submitter. Criteria: Invitae Variant Classification Sherloc (09022015). Collection method: clinical testing. Allele origin: germline.
Comment: This sequence change replaces glutamic acid, which is acidic and polar, with aspartic acid, which is acidic and polar, at codon 390 of the SMC3 protein (p.Glu390Asp). This variant is not present in population databases (gnomAD no frequency). This variant has not been reported in the literature in individuals affected with SMC3-related conditions. Advanced modeling of protein sequence and biophysical properties (such as structural, functional, and spatial information, amino acid conservation, physicochemical variation, residue mobility, and thermodynamic stability) performed at Invitae indicates that this missense variant is not expected to disrupt SMC3 protein function with a negative predictive value of 80%. In summary, the available evidence is currently insufficient to determine the role of this variant in disease. Therefore, it has been classified as a Variant of Uncertain Significance.